The following is an entry in ClinVar:

NM_000443.4(ABCB4):c.1834G>A (p.Gly612Arg)

Gene: ABCB4 (ATP binding cassette subfamily B member 4; minus strand). Cytogenetic location: 7q21.12.
Variant type: single nucleotide variant.
Coding change: c.1834G>A on transcript NM_000443.4 (MANE Select); coding-DNA position 1834, G replaced by A.
Protein change: p.Gly612Arg; replaces glycine 612 with arginine.
Molecular consequence: missense variant.
Genome position (GRCh38, 1-based): chr7:87,431,463, C>T on the plus strand (G>A on the coding strand, the complement: ABCB4 is on the minus strand). VCF-style: chr7-87431463-C-T. GRCh37 (hg19) VCF-style: chr7-87060779-C-T.
Other names: c.1834G>A (NM_000443.3); c.1834G>A, p.Gly612Arg (NM_018849.3, NM_018850.3); short protein forms G612R.
Identifiers: ClinVar variation 291097 (VCV000291097.6), dbSNP rs886044649, ClinGen allele CA10607016.

ClinVar aggregate classification (germline): Uncertain significance. Review status: criteria provided, multiple submitters, no conflicts (2 of 4 stars). 2 submissions from 2 submitters: Uncertain significance (2). Last evaluated 2025-02-07.

Conditions:
ABCB4-related disorder. Also called: ABCB4-related disorders; ABCB4-related condition.

Allele frequency attached by ClinVar (database versions not stated): gnomAD exomes below 0.00001.
gnomAD v4.1: 1 of 1,614,132 alleles (0.000062%); highest among the groups gnomAD compares: Non-Finnish European, 0.000085%; no homozygotes.

Submissions (2):

PreventionGenetics, part of Exact Sciences
Classification: Uncertain significance for ABCB4-related condition. Last evaluated: 2025-02-07. Review status: criteria provided, single submitter. Criteria: ACMG Guidelines, 2015. Collection method: clinical testing. Allele origin: germline.
Comment: The ABCB4 c.1834G>A variant is predicted to result in the amino acid substitution p.Gly612Arg. To our knowledge, this variant has not been reported in the literature or in a large population database (gnomAD), indicating this variant is rare. At this time, the clinical significance of this variant is uncertain due to the absence of conclusive functional and genetic evidence.

Eurofins Ntd Llc (ga)
Classification: Uncertain significance. Last evaluated: 2018-06-22. Review status: criteria provided, single submitter. Criteria: EGL ClinVar v180209 classification definitions. Collection method: clinical testing. Allele origin: germline. Observed: 3 variant alleles, 3 heterozygotes.